The following is an entry in ClinVar:

NM_000268.4(NF2):c.58A>G (p.Lys20Glu)

Gene: NF2 (NF2, moesin-ezrin-radixin like (MERLIN) tumor suppressor; plus strand). Cytogenetic location: 22q12.2.
Variant type: single nucleotide variant.
Coding change: c.58A>G on transcript NM_000268.4 (MANE Select); coding-DNA position 58, A replaced by G.
Protein change: p.Lys20Glu; replaces lysine 20 with glutamic acid.
Molecular consequence: missense variant. On other transcripts: 5 prime UTR variant (4), non-coding transcript variant (1).
Genome position (GRCh38, 1-based): chr22:29,604,056, A>G. VCF-style: chr22-29604056-A-G. GRCh37 (hg19) VCF-style: chr22-30000045-A-G.
Other names: c.-173A>G (NM_001407053.1, NM_001407056.1); c.58A>G, p.Lys20Glu (NM_001407054.1, NM_001407055.1, NM_001407057.1 and 15 more transcripts); c.-583A>G (NM_001407065.1); c.-199A>G (NM_001407067.1); short protein forms K20E.
Identifiers: ClinVar variation 3682445 (VCV003682445.3).
Genomic context (GRCh38, chr22:29,604,056, plus strand): 5'-GCCATGGCCGGGGCCATCGCTTCCCGCATGAGCTTCAGCTCTCTCAAGAGGAAGCAACCC[A>G]AGACGTTCACCGTGAGGATCGTCACCATGGACGCCGAGATGGAGTTCAATTGCGAGGTAA-3'
Protein context (NP_000259.1, residues 10-30): SFSSLKRKQP[Lys20Glu]TFTVRIVTMD

ClinVar aggregate classification (germline): Uncertain significance. Review status: criteria provided, multiple submitters, no conflicts (2 of 4 stars). 2 submissions from 2 submitters: Uncertain significance (2). Last evaluated 2025-03-07.

Conditions:
Hereditary cancer-predisposing syndrome. Also called: Neoplastic Syndromes, Hereditary; Tumor predisposition; Hereditary Cancer Syndrome; Hereditary neoplastic syndrome. Identifiers: Orphanet 140162, MedGen C0027672, MeSH D009386, MONDO:0015356.
Neurofibromatosis, type 2 (SWNV). Also called: BILATERAL ACOUSTIC NEUROFIBROMATOSIS; SCHWANNOMATOSIS, VESTIBULAR; NF2-Related Schwannomatosis. Identifiers: Orphanet 637, MedGen C0027832, MONDO:0007039, OMIM 101000. Disease mechanism: loss of function.

Submissions (2):

Ambry Genetics
Classification: Uncertain significance for Hereditary cancer-predisposing syndrome. Last evaluated: 2025-03-07. Review status: criteria provided, single submitter. Criteria: Ambry Variant Classification Scheme 2023. Collection method: clinical testing. Allele origin: germline.
Comment: The p.K20E variant (also known as c.58A>G), located in coding exon 1 of the NF2 gene, results from an A to G substitution at nucleotide position 58. The lysine at codon 20 is replaced by glutamic acid, an amino acid with similar properties. This amino acid position is conserved. In addition, the in silico prediction for this alteration is inconclusive. Based on the available evidence, the clinical significance of this variant remains unclear.

Labcorp Genetics (formerly Invitae), Labcorp
Classification: Uncertain significance for Neurofibromatosis, type 2. Last evaluated: 2024-05-06. Review status: criteria provided, single submitter. Criteria: Invitae Variant Classification Sherloc (09022015). Collection method: clinical testing. Allele origin: germline.
Comment: This sequence change replaces lysine, which is basic and polar, with glutamic acid, which is acidic and polar, at codon 20 of the NF2 protein (p.Lys20Glu). This variant is not present in population databases (gnomAD no frequency). This variant has not been reported in the literature in individuals affected with NF2-related conditions. An algorithm developed to predict the effect of missense changes on protein structure and function (PolyPhen-2) suggests that this variant is likely to be tolerated. In summary, the available evidence is currently insufficient to determine the role of this variant in disease. Therefore, it has been classified as a Variant of Uncertain Significance.